The following is an entry in ClinVar:

ClinVar aggregate classification (germline): Uncertain significance. Review status: criteria provided, multiple submitters, no conflicts (2 of 4 stars). 2 submissions from 2 submitters: Uncertain significance (2). Last evaluated 2025-01-30.

Allele frequency attached by ClinVar (database versions not stated): gnomAD exomes 0.00001; TOPMed 0.00003; gnomAD 0.00004.
gnomAD v4.1: 14 of 1,612,830 alleles (0.00087%); highest among the groups gnomAD compares: Non-Finnish European, 0.0012%; no homozygotes.

Submissions (2):

Ambry Genetics
Classification: Uncertain significance. Last evaluated: 2025-01-30. Review status: criteria provided, single submitter. Criteria: Ambry Variant Classification Scheme 2023. Collection method: clinical testing. Allele origin: germline.

Labcorp Genetics (formerly Invitae), Labcorp
Classification: Uncertain significance. Last evaluated: 2023-05-11. Review status: criteria provided, single submitter. Criteria: Invitae Variant Classification Sherloc (09022015). Collection method: clinical testing. Allele origin: germline.
Comment: This variant has not been reported in the literature in individuals affected with HMCN1-related conditions. This variant is present in population databases (no rsID available, gnomAD 0.0009%). This sequence change replaces glycine, which is neutral and non-polar, with arginine, which is basic and polar, at codon 3606 of the HMCN1 protein (p.Gly3606Arg). An algorithm developed to predict the effect of missense changes on protein structure and function (PolyPhen-2) suggests that this variant is likely to be disruptive. In summary, the available evidence is currently insufficient to determine the role of this variant in disease. Therefore, it has been classified as a Variant of Uncertain Significance.

NM_031935.3(HMCN1):c.10816G>A (p.Gly3606Arg)

Gene: HMCN1 (hemicentin 1; plus strand). Cytogenetic location: 1q31.1.
Variant type: single nucleotide variant.
Coding change: c.10816G>A on transcript NM_031935.3 (MANE Select); coding-DNA position 10816, G replaced by A.
Protein change: p.Gly3606Arg; replaces glycine 3606 with arginine.
Molecular consequence: missense variant.
Genome position (GRCh38, 1-based): chr1:186,106,929, G>A. VCF-style: chr1-186106929-G-A. GRCh37 (hg19) VCF-style: chr1-186076061-G-A.
Other names: c.10816G>A (NM_031935.2); short protein forms G3606R.
Identifiers: ClinVar variation 2970872 (VCV002970872.4), dbSNP rs1469695536, ClinGen allele CA343936123.